The following is an entry in ClinVar:

NM_001372.4(DNAH9):c.314G>A (p.Arg105His)

Gene: DNAH9 (dynein axonemal heavy chain 9; plus strand). Cytogenetic location: 17p12.
Variant type: single nucleotide variant.
Coding change: c.314G>A on transcript NM_001372.4 (MANE Select); coding-DNA position 314, G replaced by A.
Protein change: p.Arg105His; replaces arginine 105 with histidine.
Molecular consequence: missense variant.
Genome position (GRCh38, 1-based): chr17:11,598,812, G>A. VCF-style: chr17-11598812-G-A. GRCh37 (hg19) VCF-style: chr17-11502129-G-A.
Other names: c.314G>A (NM_001372.3); short protein forms R105H.
Identifiers: ClinVar variation 2171163 (VCV002171163.3), dbSNP rs756582024, ClinGen allele CA8394485.

ClinVar aggregate classification (germline): Uncertain significance. Review status: criteria provided, multiple submitters, no conflicts (2 of 4 stars). 2 submissions from 2 submitters: Uncertain significance (2). Last evaluated 2023-05-09.

Conditions:
Inborn genetic diseases. Identifiers: MedGen C0950123, MeSH D030342.

Allele frequency attached by ClinVar (database versions not stated): gnomAD exomes 0.00003; gnomAD 0.00030; 1000 Genomes Project 30x 0.00031; ExAC 0.00038; TOPMed 0.00038.
gnomAD v4.1: 94 of 1,480,206 alleles (0.0064%); highest among the groups gnomAD compares: African/African-American, 0.11%; 1 homozygote.

Submissions (2):

Ambry Genetics
Classification: Uncertain significance for Inborn genetic diseases. Last evaluated: 2023-05-09. Review status: criteria provided, single submitter. Criteria: Ambry Variant Classification Scheme 2023. Collection method: clinical testing. Allele origin: germline.

Labcorp Genetics (formerly Invitae), Labcorp
Classification: Uncertain significance. Last evaluated: 2022-06-24. Review status: criteria provided, single submitter. Criteria: Invitae Variant Classification Sherloc (09022015). Collection method: clinical testing. Allele origin: germline.
Comment: This sequence change replaces arginine, which is basic and polar, with histidine, which is basic and polar, at codon 105 of the DNAH9 protein (p.Arg105His). This variant is present in population databases (rs756582024, gnomAD 0.1%). This variant has not been reported in the literature in individuals affected with DNAH9-related conditions. Algorithms developed to predict the effect of missense changes on protein structure and function are either unavailable or do not agree on the potential impact of this missense change (SIFT: "Deleterious"; PolyPhen-2: "Possibly Damaging"; Align-GVGD: "Class C0"). In summary, the available evidence is currently insufficient to determine the role of this variant in disease. Therefore, it has been classified as a Variant of Uncertain Significance.